The following is an entry in ClinVar:

ClinVar aggregate classification (germline): Pathogenic (1 of 4 stars; one submission).

Submission:

Labcorp Genetics (formerly Invitae), Labcorp
Classification: Pathogenic. Last evaluated: 2022-11-14. Review status: criteria provided, single submitter. Criteria: Invitae Variant Classification Sherloc (09022015). Collection method: clinical testing. Allele origin: germline.
Comment: This sequence change creates a premature translational stop signal (p.Ala448Glyfs*55) in the POLE gene. It is expected to result in an absent or disrupted protein product. Loss-of-function variants in POLE are known to be pathogenic (PMID: 23230001, 25948378, 30503519). This variant is not present in population databases (gnomAD no frequency). This variant has not been reported in the literature in individuals affected with POLE-related conditions. Algorithms developed to predict the effect of sequence changes on RNA splicing suggest that this variant may create or strengthen a splice site. For these reasons, this variant has been classified as Pathogenic.

Literature cited by the submitters: PubMed 23230001; PubMed 25948378; PubMed 30503519.

NM_006231.4(POLE):c.1342dup (p.Ala448fs)

Gene: POLE (DNA polymerase epsilon, catalytic subunit; minus strand). Cytogenetic location: 12q24.33.
Variant type: Duplication.
Coding change: c.1342dup on transcript NM_006231.4 (MANE Select); coding-DNA position 1342, one base duplicated (G; older notation c.1342dupG).
Protein change: p.Ala448fs; shifts the reading frame from alanine 448.
Molecular consequence: frameshift variant.
Genome position (GRCh38, 1-based): chr12:132,673,592, C duplicated on the plus strand (G on the coding strand, the reverse complement: POLE is on the minus strand); the first of 2 consecutive C bases (chr12:132,673,592-132,673,593); duplicating either gives the same sequence. VCF-style (leftmost placement, unchanged base first): chr12-132673591-G-GC. GRCh37 (hg19) VCF-style: chr12-133250177-G-GC.
Other names: short protein forms A448fs.
Identifiers: ClinVar variation 2814194 (VCV002814194.3), dbSNP rs2542145071, ClinGen allele CA2739277393.